The following is an entry in ClinVar:

NM_014141.6(CNTNAP2):c.648dup (p.Lys217Ter)

Gene: CNTNAP2 (contactin associated protein 2; plus strand). Cytogenetic location: 7q35.
Variant type: Duplication.
Coding change: c.648dup on transcript NM_014141.6 (MANE Select); coding-DNA position 648, one base duplicated (T; older notation c.648dupT).
Protein change: p.Lys217Ter; replaces lysine 217 with a stop codon.
Molecular consequence: nonsense.
Genome position (GRCh38, 1-based): chr7:147,108,244, T duplicated; the last of 3 consecutive T bases (chr7:147,108,242-147,108,244); duplicating any one gives the same sequence. VCF-style (leftmost placement, unchanged base first): chr7-147108241-C-CT. GRCh37 (hg19) VCF-style: chr7-146805333-C-CT.
Other names: short protein forms K217*.
Identifiers: ClinVar variation 1699310 (VCV001699310.3), dbSNP rs2129279547, ClinGen allele CA923726197.

ClinVar aggregate classification (germline): Pathogenic (1 of 4 stars; one submission).

Conditions:
Cortical dysplasia-focal epilepsy syndrome (PTHSL1). Also called: Pitt-Hopkins-like syndrome 1. Identifiers: Orphanet 163681, Orphanet 221150, MedGen C2750246, MONDO:0012400, OMIM 610042.

Submission:

Victorian Clinical Genetics Services, Murdoch Childrens Research Institute
Classification: Pathogenic for Cortical dysplasia-focal epilepsy syndrome. Last evaluated: 2022-02-02. Review status: criteria provided, single submitter. Criteria: ACMG Guidelines, 2015. Collection method: clinical testing. Allele origin: germline. Inheritance: Autosomal recessive inheritance.
Comment: Based on the classification scheme VCGS_Germline_v1.3.4, this variant is classified as Pathogenic. Following criteria are met: 0102 - Loss of function is a known mechanism of disease in this gene and is associated with Pitt-Hopkins like syndrome 1 (MIM#610042). (I) 0106 - This gene is associated with autosomal recessive disease. (I) 0201 - Variant is predicted to cause nonsense-mediated decay (NMD) and loss of protein (premature termination codon is located at least 54 nucleotides upstream of the final exon-exon junction). (SP) 0252 - This variant is homozygous. (I) 0301 - Variant is absent from gnomAD (both v2 and v3). (SP) 0402 - Variant is located in a gene associated with a severe early-onset recessive condition that is intolerant to bi-allelic loss of function variants (gnomAD, OMIM). (SP) 0701 - Other premature termination variants comparable to the one identified in this case have very strong previous evidence for pathogenicity. Other variants predicted to cause NMD have been reported as pathogenic (ClinVar, PMID:27439707). (SP) 0807 - This variant has no previous evidence of pathogenicity. (I) 0905 - No published segregation evidence has been identified for this variant. (I) 1007 - No published functional evidence has been identified for this variant. (I) 1208 - Inheritance information for this variant is not currently available in this individual. (I) Legend: (SP) - Supporting pathogenic, (I) - Information, (SB) - Supporting benign

Literature cited by the submitters: PubMed 27439707.